The following is an entry in ClinVar:

NM_018979.4(WNK1):c.3019A>G (p.Met1007Val)

Gene: WNK1 (WNK lysine deficient protein kinase 1; plus strand). Cytogenetic location: 12p13.33.
Variant type: single nucleotide variant.
Coding change: c.3019A>G on transcript NM_018979.4 (MANE Select); coding-DNA position 3019, A replaced by G.
Protein change: p.Met1007Val; replaces methionine 1007 with valine.
Molecular consequence: missense variant. On other transcripts: intron variant (2).
Genome position (GRCh38, 1-based): chr12:880,907, A>G. VCF-style: chr12-880907-A-G. GRCh37 (hg19) VCF-style: chr12-990073-A-G.
Other names: c.3799A>G, p.Met1267Val (NM_001184985.2); c.3868-785A>G (NM_213655.5); c.2371-785A>G (NM_014823.3); short protein forms M1007V, M1267V.
Identifiers: ClinVar variation 310813 (VCV000310813.16), dbSNP rs191295023, ClinGen allele CA6382626.

ClinVar aggregate classification (germline): Benign/Likely benign. Review status: criteria provided, multiple submitters, no conflicts (2 of 4 stars). 4 submissions from 4 submitters: Benign (1); Likely benign (3). Last evaluated 2022-09-01.

Conditions:
Neuropathy, hereditary sensory and autonomic, type 2A (HSAN2A). Also called: ACROOSTEOLYSIS, GIACCAI TYPE; ACROOSTEOLYSIS, NEUROGENIC; MORVAN DISEASE; NEUROPATHY, CONGENITAL SENSORY; NEUROPATHY, HEREDITARY SENSORY RADICULAR, AUTOSOMAL RECESSIVE; NEUROPATHY, HEREDITARY SENSORY, TYPE IIA. Identifiers: Orphanet 970, MedGen C2752089, MONDO:0024309, OMIM 201300.
Pseudohypoaldosteronism type 2C (PHA2C). Also called: Pseudohypoaldosteronism Type IIC. Identifiers: Orphanet 757, Orphanet 88940, MedGen C1840391, MONDO:0013778, OMIM 614492.

Allele frequency attached by ClinVar (database versions not stated): gnomAD exomes 0.00004; gnomAD 0.00008; TOPMed 0.00013; 1000 Genomes Project 0.00060; 1000 Genomes Project 30x 0.00078.

Submissions (4):

Labcorp Genetics (formerly Invitae), Labcorp
Classification: Likely benign for Neuropathy, hereditary sensory and autonomic, type 2A; Pseudohypoaldosteronism type 2C. Last evaluated: 2022-09-01. Review status: criteria provided, single submitter. Criteria: Invitae Variant Classification Sherloc (09022015). Collection method: clinical testing. Allele origin: germline.

Fulgent Genetics
Classification: Likely benign for Neuropathy, hereditary sensory and autonomic, type 2A; Pseudohypoaldosteronism type 2C. Last evaluated: 2021-09-11. Review status: criteria provided, single submitter. Criteria: ACMG Guidelines, 2015. Collection method: clinical testing. Allele origin: unknown.

Illumina Laboratory Services, Illumina
Classification: Benign for Pseudohypoaldosteronism type 2C. Last evaluated: 2018-01-12. Review status: criteria provided, single submitter. Criteria: ICSL Variant Classification Criteria 13 December 2019. Collection method: clinical testing. Allele origin: germline.
Comment: This variant was observed in the ICSL laboratory as part of a predisposition screen in an ostensibly healthy population. It had not been previously curated by ICSL or reported in the Human Gene Mutation Database (HGMD: prior to June 1st, 2018), and was therefore a candidate for classification through an automated scoring system. Utilizing variant allele frequency, disease prevalence and penetrance estimates, and inheritance mode, an automated score was calculated to assess if this variant is too frequent to cause the disease. Based on the score and internal cut-off values, a variant classified as benign is not then subjected to further curation. The score for this variant resulted in a classification of benign for this disease.

Breakthrough Genomics
Classification: Likely benign. Review status: criteria provided, single submitter. Criteria: ACMG Guidelines, 2015. Collection method: not provided. Allele origin: germline. Inheritance: Autosomal recessive inheritance. Affected: yes.